The following is an entry in ClinVar:

ClinVar aggregate classification (germline): Conflicting classifications of pathogenicity. Review status: criteria provided, conflicting classifications (1 of 4 stars). 3 submissions from 3 submitters: Uncertain significance (2); Likely benign (1). Last evaluated 2024-05-07.

Conditions:
Combined immunodeficiency due to CTPS1 deficiency. Also called: Immunodeficiency 24; Severe combined immunodeficiency due to CTPS1 deficiency. Identifiers: Orphanet 420573, MedGen C4014617, MONDO:0014391, OMIM 615897.

Allele frequency attached by ClinVar (database versions not stated): ExAC 0.00001; gnomAD 0.00001 and 0.00002; gnomAD exomes 0.00001; TOPMed 0.00002.
gnomAD v4.1: 16 of 1,613,424 alleles (0.00099%); highest among the groups gnomAD compares: South Asian, 0.0044%; no homozygotes.

Submissions (3):

Blueprint Genetics
Classification: Uncertain significance. Last evaluated: 2024-05-07. Review status: criteria provided, single submitter. Criteria: ACMG Guidelines, 2015. Collection method: clinical testing. Allele origin: germline.

CeGaT Center for Human Genetics Tuebingen
Classification: Likely benign. Last evaluated: 2023-09-01. Review status: criteria provided, single submitter. Criteria: CeGaT Center For Human Genetics Tuebingen Variant Classification Criteria Version 2. Collection method: clinical testing. Allele origin: germline. Affected: yes. Observed: 1 variant allele.
Comment: CTPS1: BP4

Labcorp Genetics (formerly Invitae), Labcorp
Classification: Uncertain significance for Combined immunodeficiency due to CTPS1 deficiency. Last evaluated: 2022-08-16. Review status: criteria provided, single submitter. Criteria: Invitae Variant Classification Sherloc (09022015). Collection method: clinical testing. Allele origin: germline.
Comment: In summary, the available evidence is currently insufficient to determine the role of this variant in disease. Therefore, it has been classified as a Variant of Uncertain Significance. Algorithms developed to predict the effect of missense changes on protein structure and function are either unavailable or do not agree on the potential impact of this missense change (SIFT: "Deleterious"; PolyPhen-2: "Benign"; Align-GVGD: "Class C0"). ClinVar contains an entry for this variant (Variation ID: 640057). This variant has not been reported in the literature in individuals affected with CTPS1-related conditions. This variant is present in population databases (rs768930904, gnomAD 0.004%). This sequence change replaces threonine, which is neutral and polar, with methionine, which is neutral and non-polar, at codon 427 of the CTPS1 protein (p.Thr427Met).

NM_001905.4(CTPS1):c.1280C>T (p.Thr427Met)

Gene: CTPS1 (CTP synthase 1; plus strand). Cytogenetic location: 1p34.2.
Variant type: single nucleotide variant.
Coding change: c.1280C>T on transcript NM_001905.4 (MANE Select); coding-DNA position 1280, C replaced by T.
Protein change: p.Thr427Met; replaces threonine 427 with methionine.
Molecular consequence: missense variant. On other transcripts: non-coding transcript variant (1).
Genome position (GRCh38, 1-based): chr1:41,006,078, C>T. VCF-style: chr1-41006078-C-T. GRCh37 (hg19) VCF-style: chr1-41471750-C-T.
Other names: c.812C>T, p.Thr271Met (NM_001301237.2); short protein forms T271M, T427M.
Identifiers: ClinVar variation 640057 (VCV000640057.32), dbSNP rs768930904, ClinGen allele CA795492.
Genomic context (GRCh38, chr1:41,006,078, plus strand): 5'-ACTATTTTCATAACAAGTATTTTGGTATTTCAGATGCCAATTCTACAGAGTTTGACCCTA[C>T]GACCAGTCATCCCGTGGTGAGTCAAGTGTTTGAACCTCCACAGGGCTTAGAAGGGTGTAG-3'
Protein context (NP_001896.2, residues 417-437): QDANSTEFDP[Thr427Met]TSHPVVVDMP